The following is an entry in ClinVar:

ClinVar aggregate classification (germline): Uncertain significance (1 of 4 stars; one submission).

Conditions:
Hereditary cancer-predisposing syndrome. Also called: Tumor predisposition; Neoplastic Syndromes, Hereditary; Hereditary Cancer Syndrome; Hereditary neoplastic syndrome. Identifiers: Orphanet 140162, MedGen C0027672, MeSH D009386, MONDO:0015356.

Submission:

Ambry Genetics
Classification: Uncertain significance for Hereditary cancer-predisposing syndrome. Last evaluated: 2025-01-09. Review status: criteria provided, single submitter. Criteria: Ambry Variant Classification Scheme 2023. Collection method: clinical testing. Allele origin: germline.
Comment: The p.S2535R variant (also known as c.7605T>G), located in coding exon 15 of the APC gene, results from a T to G substitution at nucleotide position 7605. The serine at codon 2535 is replaced by arginine, an amino acid with dissimilar properties. This amino acid position is conserved. In addition, in silico predictors for this gene do not accurately predict pathogenicity. Based on the available evidence, the clinical significance of this variant remains unclear.

NM_000038.6(APC):c.7605T>G (p.Ser2535Arg)

Gene: APC (APC regulator of Wnt signaling pathway; plus strand). Cytogenetic location: 5q22.2.
Variant type: single nucleotide variant.
Coding change: c.7605T>G on transcript NM_000038.6 (MANE Select); coding-DNA position 7605, T replaced by G.
Protein change: p.Ser2535Arg; replaces serine 2535 with arginine.
Molecular consequence: missense variant. On other transcripts: non-coding transcript variant (2).
Genome position (GRCh38, 1-based): chr5:112,843,199, T>G. VCF-style: chr5-112843199-T-G. GRCh37 (hg19) VCF-style: chr5-112178896-T-G.
Other names: c.7605T>G, p.Ser2535Arg (NM_001127510.3, NM_001354895.2, NM_001407450.1); c.7551T>G, p.Ser2517Arg (NM_001127511.3); c.7659T>G, p.Ser2553Arg (NM_001354896.2, NM_001407447.1, NM_001407448.1 and 1 more transcripts); c.7635T>G, p.Ser2545Arg (NM_001354897.2); c.7530T>G, p.Ser2510Arg (NM_001354898.2); c.7521T>G, p.Ser2507Arg (NM_001354899.2); c.7482T>G, p.Ser2494Arg (NM_001354900.2); c.7428T>G, p.Ser2476Arg (NM_001354901.2, NM_001407453.1); and 11 more; short protein forms S2452R, S2494R, S2510R, S2535R, S2553R, S2563R, S2528R, S2252R.
Identifiers: ClinVar variation 3881663 (VCV003881663.1).